The following is an entry in ClinVar:

NM_013276.4(SHPK):c.764T>C (p.Val255Ala)

Gene: SHPK (sedoheptulokinase; minus strand). Cytogenetic location: 17p13.2.
Variant type: single nucleotide variant.
Coding change: c.764T>C on transcript NM_013276.4 (MANE Select); coding-DNA position 764, T replaced by C.
Protein change: p.Val255Ala; replaces valine 255 with alanine.
Molecular consequence: missense variant.
Genome position (GRCh38, 1-based): chr17:3,621,296, A>G on the plus strand (T>C on the coding strand, the complement: SHPK is on the minus strand). VCF-style: chr17-3621296-A-G. GRCh37 (hg19) VCF-style: chr17-3524590-A-G.
Other names: short protein forms V255A.
Identifiers: ClinVar variation 1965094 (VCV001965094.5), dbSNP rs774906811, ClinGen allele CA8291218.

ClinVar aggregate classification (germline): Uncertain significance (1 of 4 stars; one submission).

Allele frequency attached by ClinVar (database versions not stated): ExAC 0.00001; TOPMed 0.00002.
gnomAD v4.1: 4 of 1,613,914 alleles (0.00025%); highest among the groups gnomAD compares: Admixed American, 0.0067%; no homozygotes.

Submission:

Labcorp Genetics (formerly Invitae), Labcorp
Classification: Uncertain significance. Last evaluated: 2022-08-09. Review status: criteria provided, single submitter. Criteria: Invitae Variant Classification Sherloc (09022015). Collection method: clinical testing. Allele origin: germline.
Comment: In summary, the available evidence is currently insufficient to determine the role of this variant in disease. Therefore, it has been classified as a Variant of Uncertain Significance. Algorithms developed to predict the effect of missense changes on protein structure and function (SIFT, PolyPhen-2, Align-GVGD) all suggest that this variant is likely to be tolerated. This variant has not been reported in the literature in individuals affected with SHPK-related conditions. This variant is present in population databases (rs774906811, gnomAD 0.01%). This sequence change replaces valine, which is neutral and non-polar, with alanine, which is neutral and non-polar, at codon 255 of the SHPK protein (p.Val255Ala).